The following is an entry in ClinVar:

NM_015001.3(SPEN):c.2857_2859del (p.Glu953del)

Gene: SPEN (spen family transcriptional repressor; plus strand). Cytogenetic location: 1p36.13.
Variant type: Deletion.
Coding change: c.2857_2859del on transcript NM_015001.3 (MANE Select); coding-DNA positions 2857 to 2859, 3 bases deleted (GAG; older notation c.2857_2859delGAG).
Protein change: p.Glu953del; deletes glutamic acid 953.
Molecular consequence: inframe deletion.
Genome position (GRCh38, 1-based): chr1:15,929,097-15,929,099, GAG deleted; deleting any 3 consecutive bases within chr1:15,929,096-15,929,099 gives the same sequence; the c. name uses the placement nearest the transcript's 3' end. VCF-style (leftmost placement, unchanged base first): chr1-15929095-TGGA-T. GRCh37 (hg19) VCF-style: chr1-16255590-TGGA-T.
Other names: short protein forms E953del.
Identifiers: ClinVar variation 1317334 (VCV001317334.2), dbSNP rs2148738367, ClinGen allele CA2573051390.
Genomic context (GRCh38, chr1:15,929,095, plus strand): 5'-TGGAATCAGTTAGAATGAAAGTACCAAAGGAAAAGGGGCTTTCAAGCCATGTTGAAGTGG[TGGA>T]GAAGGAAGGCAGGCTTAAAGCCAGGAAGCACCTCAAGCCTGAGCAGCCTGCAGATGGGGT-3'

ClinVar aggregate classification (germline): Uncertain significance (1 of 4 stars; one submission).

Submission:

GeneDx
Classification: Uncertain significance. Last evaluated: 2019-08-29. Review status: criteria provided, single submitter. Criteria: GeneDx Variant Classification Process June 2021. Collection method: clinical testing. Allele origin: germline. Affected: yes.
Comment: Not observed in large population cohorts (Lek et al., 2016); In-frame deletion of 1 amino acids in a non-repeat region; In silico analysis, which includes protein predictors and evolutionary conservation, supports a deleterious effect; Has not been previously published as pathogenic or benign to our knowledge; Variants in candidate genes are classified as variants of uncertain significance in accordance with ACMG guidelines (Richards et al., 2015)